The following is an entry in ClinVar:

ClinVar aggregate classification (germline): Uncertain significance (1 of 4 stars; one submission).

Conditions:
Muscle AMP deaminase deficiency (MMDD). Also called: Myoadenylate deaminase deficiency, myopathy due to; Adenosine monophosphate deaminase 1 deficiency; AMP deaminase 1 deficiency; Adenosine Monophosphate Deaminase 1; AMPD1 DEFICIENCY; ADENOSINE MONOPHOSPHATE DEAMINASE-1 DEFICIENCY, MYOPATHY DUE TO. Identifiers: Orphanet 45, MedGen C3714933, MONDO:0014220, OMIM 615511.

Submission:

Labcorp Genetics (formerly Invitae), Labcorp
Classification: Uncertain significance for Muscle AMP deaminase deficiency. Last evaluated: 2024-08-27. Review status: criteria provided, single submitter. Criteria: Invitae Variant Classification Sherloc (09022015). Collection method: clinical testing. Allele origin: germline.
Comment: This sequence change replaces cysteine, which is neutral and slightly polar, with glycine, which is neutral and non-polar, at codon 23 of the AMPD1 protein (p.Cys23Gly). This variant is not present in population databases (gnomAD no frequency). This variant has not been reported in the literature in individuals affected with AMPD1-related conditions. An algorithm developed to predict the effect of missense changes on protein structure and function (PolyPhen-2) suggests that this variant is likely to be tolerated. In summary, the available evidence is currently insufficient to determine the role of this variant in disease. Therefore, it has been classified as a Variant of Uncertain Significance.

NM_000036.3(AMPD1):c.-33T>G

Gene: AMPD1 (adenosine monophosphate deaminase 1; minus strand). Cytogenetic location: 1p13.2.
Variant type: single nucleotide variant.
Coding change: c.-33T>G on transcript NM_000036.3 (MANE Select); 33 bases upstream of the start codon, T replaced by G.
Molecular consequence: 5 prime UTR variant.
Genome position (GRCh38, 1-based): chr1:114,695,504, A>C on the plus strand (T>G on the coding strand, the complement: AMPD1 is on the minus strand). VCF-style: chr1-114695504-A-C. GRCh37 (hg19) VCF-style: chr1-115238125-A-C.
Other names: c.-33T>G (NM_001172626.2).
Identifiers: ClinVar variation 3699674 (VCV003699674.2).